The following is an entry in ClinVar:

ClinVar aggregate classification (germline): Uncertain significance (1 of 4 stars; one submission).

Conditions:
Inborn genetic diseases. Identifiers: MedGen C0950123, MeSH D030342.

gnomAD v4.1: 4 of 1,610,786 alleles (0.00025%); highest among the groups gnomAD compares: East Asian, 0.0045%; no homozygotes.

Submission:

Ambry Genetics
Classification: Uncertain significance for Inborn genetic diseases. Last evaluated: 2023-02-10. Review status: criteria provided, single submitter. Criteria: Ambry Variant Classification Scheme 2023. Collection method: clinical testing. Allele origin: germline.
Comment: The p.T213I variant (also known as c.638C>T), located in coding exon 7 of the MDH2 gene, results from a C to T substitution at nucleotide position 638. The threonine at codon 213 is replaced by isoleucine, an amino acid with similar properties. This amino acid position is conserved. In addition, the in silico prediction for this alteration is inconclusive. Since supporting evidence is limited at this time, the clinical significance of this alteration remains unclear.

NM_005918.4(MDH2):c.638C>T (p.Thr213Ile)

Gene: MDH2 (malate dehydrogenase 2; plus strand). Cytogenetic location: 7q11.23.
Variant type: single nucleotide variant.
Coding change: c.638C>T on transcript NM_005918.4 (MANE Select); coding-DNA position 638, C replaced by T.
Protein change: p.Thr213Ile; replaces threonine 213 with isoleucine.
Molecular consequence: missense variant.
Genome position (GRCh38, 1-based): chr7:76,064,343, C>T. VCF-style: chr7-76064343-C-T. GRCh37 (hg19) VCF-style: chr7-75693661-C-T.
Other names: c.512C>T, p.Thr171Ile (NM_001282403.2); c.317C>T, p.Thr106Ile (NM_001282404.2); short protein forms T106I, T171I, T213I.
Identifiers: ClinVar variation 3225205 (VCV003225205.1), dbSNP rs782787769, ClinGen allele CA367767146.
Genomic context (GRCh38, chr7:76,064,343, plus strand): 5'-TGGGTCTGGGGTCATGGGCCGGAAGCCACTCACTGATCCCATGGCTTGGCTTGCAGTGCA[C>T]CCCCAAGGTGGACTTTCCCCAGGACCAGCTGACAGCACTCACTGGGCGGATCCAGGAGGC-3'
Protein context (NP_005909.2, residues 203-223): KTIIPLISQC[Thr213Ile]PKVDFPQDQL